The following is an entry in ClinVar:

NM_004380.3(CREBBP):c.4493G>A (p.Arg1498Gln)

Gene: CREBBP (CREB binding protein; minus strand). Cytogenetic location: 16p13.3.
Variant type: single nucleotide variant.
Coding change: c.4493G>A on transcript NM_004380.3 (MANE Select); coding-DNA position 4493, G replaced by A.
Protein change: p.Arg1498Gln; replaces arginine 1498 with glutamine.
Molecular consequence: missense variant.
Genome position (GRCh38, 1-based): chr16:3,736,717, C>T on the plus strand (G>A on the coding strand, the complement: CREBBP is on the minus strand). VCF-style: chr16-3736717-C-T. GRCh37 (hg19) VCF-style: chr16-3786718-C-T.
Other names: c.4379G>A, p.Arg1460Gln (NM_001079846.1); short protein forms R1498Q, R1460Q.
Identifiers: ClinVar variation 589687 (VCV000589687.5), dbSNP rs1567269945, ClinGen allele CA394563635.

ClinVar aggregate classification (germline): Likely pathogenic (1 of 4 stars; one submission).

Conditions:
Inborn genetic diseases. Identifiers: MedGen C0950123, MeSH D030342.

Allele frequency attached by ClinVar (database versions not stated): gnomAD exomes below 0.00001.
gnomAD v4.1: 1 of 1,614,106 alleles (0.000062%); highest among the groups gnomAD compares: Non-Finnish European, 0.000085%; no homozygotes.

Submission:

Ambry Genetics
Classification: Likely pathogenic for Inborn genetic diseases. Last evaluated: 2016-09-21. Review status: criteria provided, single submitter. Criteria: Ambry Variant Classification Scheme 2023. Collection method: clinical testing. Allele origin: germline.
Comment: The p.R1498Q variant (also known as c.4493G>A), located in coding exon 27 of the CREBBP gene, results from a G to A substitution at nucleotide position 4493. The arginine at codon 1498 is replaced by glutamine, an amino acid with highly similar properties. This variant is predicted to interact with acetyl-CoA in the binding cleft, and may modulate either its binding or binding to the histone (Delvecchio M et al. Nat. Struct. Mol. Biol., 2013 Sep;20:1040-6; Zhang X et al. J Phys Chem B, 2014 Feb;118:2009-19). This variant was not reported in population based cohorts in the following databases: Database of Single Nucleotide Polymorphisms (dbSNP), NHLBI Exome Sequencing Project (ESP), and 1000 Genomes Project. In the ESP, this variant was not observed in 6497 samples (12994 alleles) with coverage at this position. This alteration is determined to be structurally deleterious. This amino acid position is highly conserved in available vertebrate species. In addition, this alteration is predicted to be deleterious by in silico analysis. Based on the majority of available evidence to date, this variant is likely to be pathogenic.

Literature cited by the submitters: PubMed 23934153; PubMed 24521098.